The following is an entry in ClinVar:

NM_177438.3(DICER1):c.4348_4354del (p.Ile1450fs)

Gene: DICER1 (dicer 1, ribonuclease III; minus strand). Cytogenetic location: 14q32.13.
Variant type: Deletion.
Coding change: c.4348_4354del on transcript NM_177438.3 (MANE Select); coding-DNA positions 4348 to 4354, 7 bases deleted (ATCAGAT; older notation c.4348_4354delATCAGAT).
Protein change: p.Ile1450fs; shifts the reading frame from isoleucine 1450.
Molecular consequence: frameshift variant. On other transcripts: non-coding transcript variant (6).
Genome position (GRCh38, 1-based): chr14:95,096,566-95,096,572, ATCTGAT deleted on the plus strand (ATCAGAT on the coding strand, the reverse complement: DICER1 is on the minus strand); deleting any 7 consecutive bases within chr14:95,096,566-95,096,574 gives the same sequence; the c. name uses the placement nearest the transcript's 3' end. VCF-style (leftmost placement, unchanged base first): chr14-95096565-AATCTGAT-A. GRCh37 (hg19) VCF-style: chr14-95562902-AATCTGAT-A.
Other names: c.4348_4354del, p.Ile1450fs (NM_001395695.1, NM_030621.4, NM_001195573.1 and 12 more transcripts); c.3943_3949del, p.Ile1315fs (NM_001395696.1, NM_001395687.1, NM_001395688.1 and 2 more transcripts); c.2665_2671del, p.Ile889fs (NM_001395697.1); c.4346_4352delATATCAG, p.Ile1450Leufs (NM_001395681.1); c.4066_4072del, p.Ile1356fs (NM_001395686.1); c.3781_3787del, p.Ile1261fs (NM_001395691.1); short protein forms I1450fs, I889fs, I1261fs, I1315fs, I1356fs.
Identifiers: ClinVar variation 2007403 (VCV002007403.5), dbSNP rs2542507892, ClinGen allele CA2580089016.

ClinVar aggregate classification (germline): Pathogenic/Likely pathogenic. Review status: criteria provided, multiple submitters, no conflicts (2 of 4 stars). 2 submissions from 2 submitters: Pathogenic (1); Likely pathogenic (1). Last evaluated 2022-10-17.

Conditions:
DICER1-related tumor predisposition. Also called: DICER1 syndrome; DICER1-related pleuropulmonary blastoma cancer predisposition syndrome. Identifiers: Orphanet 284343, MedGen C3839822, MONDO:0100216.
Global developmental delay - lung cysts - overgrowth - Wilms tumor syndrome. Also called: GLOBAL DEVELOPMENTAL DELAY, LUNG CYSTS, OVERGROWTH, AND WILMS TUMOR; GLOW Syndrome. Identifiers: Orphanet 404476, MedGen C4748924, MONDO:0018445, OMIM 618272.

Submissions (2):

Baylor Genetics
Classification: Likely pathogenic for Global developmental delay - lung cysts - overgrowth - Wilms tumor syndrome. Last evaluated: 2022-10-17. Review status: criteria provided, single submitter. Criteria: ACMG Guidelines, 2015. Collection method: clinical testing. Allele origin: unknown.

Labcorp Genetics (formerly Invitae), Labcorp
Classification: Pathogenic for DICER1-related tumor predisposition. Last evaluated: 2022-08-07. Review status: criteria provided, single submitter. Criteria: Invitae Variant Classification Sherloc (09022015). Collection method: clinical testing. Allele origin: germline.
Comment: For these reasons, this variant has been classified as Pathogenic. This variant has not been reported in the literature in individuals affected with DICER1-related conditions. This variant is not present in population databases (gnomAD no frequency). This sequence change creates a premature translational stop signal (p.Ile1450Leufs*2) in the DICER1 gene. It is expected to result in an absent or disrupted protein product. Loss-of-function variants in DICER1 are known to be pathogenic (PMID: 19556464, 21266384).

Literature cited by the submitters: PubMed 19556464 (cited by Labcorp Genetics (formerly Invitae), Labcorp); PubMed 21266384 (cited by Labcorp Genetics (formerly Invitae), Labcorp).